The following is an entry in ClinVar:

NM_005732.4(RAD50):c.129+1del

Gene: RAD50 (RAD50 double strand break repair protein; plus strand). Cytogenetic location: 5q31.1.
Variant type: Deletion.
Coding change: c.129+1del on transcript NM_005732.4 (MANE Select); the canonical splice donor site of the intron after coding-DNA position 129, one base deleted (G; older notation c.129+1delG).
Molecular consequence: splice donor variant.
Genome position (GRCh38, 1-based): chr5:132,557,454, G deleted; the last of 2 consecutive G bases (chr5:132,557,453-132,557,454); deleting either gives the same sequence. VCF-style (leftmost placement, unchanged base first): chr5-132557452-CG-C. GRCh37 (hg19) VCF-style: chr5-131893144-CG-C.
Other names: c.129+1delG (NM_005732.3).
Identifiers: ClinVar variation 644625 (VCV000644625.11), dbSNP rs1580974562, ClinGen allele CA915943599.

ClinVar aggregate classification (germline): Pathogenic. Review status: criteria provided, multiple submitters, no conflicts (2 of 4 stars). 2 submissions from 2 submitters: Pathogenic (2). Last evaluated 2022-07-25.

Conditions:
Hereditary cancer-predisposing syndrome. Also called: Neoplastic Syndromes, Hereditary; Tumor predisposition; Hereditary neoplastic syndrome; Hereditary Cancer Syndrome. Identifiers: Orphanet 140162, MedGen C0027672, MeSH D009386, MONDO:0015356.

Submissions (2):

Labcorp Genetics (formerly Invitae), Labcorp
Classification: Pathogenic for Hereditary cancer-predisposing syndrome. Last evaluated: 2022-07-25. Review status: criteria provided, single submitter. Criteria: Invitae Variant Classification Sherloc (09022015). Collection method: clinical testing. Allele origin: germline.
Comment: This sequence change creates a premature translational stop signal (p.Thr44Profs*6) in the RAD50 gene. It is expected to result in an absent or disrupted protein product. Loss-of-function variants in RAD50 are known to be pathogenic (PMID: 19409520). This variant is not present in population databases (gnomAD no frequency). This variant has not been reported in the literature in individuals affected with RAD50-related conditions. This variant is also known as c.129+1delG. ClinVar contains an entry for this variant (Variation ID: 644625). Algorithms developed to predict the effect of sequence changes on RNA splicing suggest that this variant may disrupt the consensus splice site. For these reasons, this variant has been classified as Pathogenic.

Ambry Genetics
Classification: Pathogenic for Hereditary cancer-predisposing syndrome. Last evaluated: 2015-10-05. Review status: criteria provided, single submitter. Criteria: Ambry Variant Classification Scheme 2023. Collection method: clinical testing. Allele origin: germline.
Comment: The c.129+1delG intronic variant results from a deletion of one nucleotide within intron 1 of the RAD50 gene. This alteration is predicted to disrupt the canonical splice sequence and result in the deletion of a nucleotide at the end of coding exon 1 creating a disruption within the reading frame. Since frameshifts are typically deleterious in nature, this alteration is interpreted as a disease-causing mutation (ACMG Recommendations for Standards for Interpretation and Reporting of Sequence Variations. Revision 2007. Genet Med. 2008;10:294).

Literature cited by the submitters: PubMed 19409520 (cited by Labcorp Genetics (formerly Invitae), Labcorp).